The following is an entry in ClinVar:

ClinVar aggregate classification (germline): Likely benign (1 of 4 stars; one submission).

Submission:

CeGaT Center for Human Genetics Tuebingen
Classification: Likely benign. Last evaluated: 2026-05-01. Review status: criteria provided, single submitter. Criteria: CeGaT Center For Human Genetics Tuebingen Variant Classification Criteria Version 2. Collection method: clinical testing. Allele origin: germline. Affected: yes. Observed: 1 variant allele.
Comment: L1CAM: PM2:Supporting, BP4, BP7

NM_001278116.2(L1CAM):c.2127A>G (p.Thr709=)

Gene: L1CAM (L1 cell adhesion molecule; minus strand). Cytogenetic location: Xq28.
Variant type: single nucleotide variant.
Coding change: c.2127A>G on transcript NM_001278116.2 (MANE Select); coding-DNA position 2127, A replaced by G.
Protein change: p.Thr709=; no amino-acid change (threonine 709 retained).
Molecular consequence: synonymous variant.
Genome position (GRCh38, 1-based): chrX:153,867,366, T>C on the plus strand (A>G on the coding strand, the complement: L1CAM is on the minus strand). VCF-style: chrX-153867366-T-C. GRCh37 (hg19) VCF-style: chrX-153132821-T-C.
Other names: c.2127A>G, p.Thr709= (NM_000425.5, NM_024003.3); c.2112A>G, p.Thr704= (NM_001143963.2).
Identifiers: ClinVar variation 4874427 (VCV004874427.2).